The following is an entry in ClinVar:

NM_003322.6(TULP1):c.241_249delinsC (p.Ala81fs)

Gene: TULP1 (TUB like protein 1; minus strand). Cytogenetic location: 6p21.31.
Variant type: Indel.
Coding change: c.241_249delinsC on transcript NM_003322.6 (MANE Select); coding-DNA positions 241 to 249, GCCCGGGCG replaced by C.
Protein change: p.Ala81fs; shifts the reading frame from alanine 81.
Molecular consequence: frameshift variant. On other transcripts: intron variant (1).
Genome position (GRCh38, 1-based): chr6:35,511,748-35,511,756, CGCCCGGGC replaced by G on the plus strand (GCCCGGGCG replaced by C on the coding strand, the reverse complement: TULP1 is on the minus strand). VCF-style: chr6-35511748-CGCCCGGGC-G. GRCh37 (hg19) VCF-style: chr6-35479525-CGCCCGGGC-G.
Other names: c.190+424_190+432delinsC (NM_001289395.2); c.241_249delinsC (NM_003322.5); short protein forms A81fs.
Identifiers: ClinVar variation 2445753 (VCV002445753.1), dbSNP rs2533809243, ClinGen allele CA2580074428.

ClinVar aggregate classification (germline): Likely pathogenic (1 of 4 stars; one submission).

Conditions:
Leber congenital amaurosis (LCA). Also called: Leber's amaurosis. Identifiers: Orphanet 65, MedGen C0339527, MeSH D057130, MONDO:0018998.

Submission:

Women's Health and Genetics/Laboratory Corporation of America, LabCorp
Classification: Likely pathogenic for Leber congenital amaurosis. Last evaluated: 2023-02-08. Review status: criteria provided, single submitter. Criteria: LabCorp Variant Classification Summary - May 2015. Collection method: clinical testing. Allele origin: germline.
Comment: Variant summary: TULP1 c.241_249delinsC (p.Ala81ProfsX90) results in a premature termination codon, predicted to cause a truncation of the encoded protein or absence of the protein due to nonsense mediated decay, which are commonly known mechanisms for disease. Truncations downstream of this position have been classified as pathogenic by our laboratory. The variant was absent in 225898 control chromosomes. To our knowledge, no occurrence of c.241_249delinsC in individuals affected with Leber Congenital Amaurosis and no experimental evidence demonstrating its impact on protein function have been reported. No clinical diagnostic laboratories have submitted clinical-significance assessments for this variant to ClinVar after 2014. Based on the evidence outlined above, the variant was classified as likely pathogenic.